The following is an entry in ClinVar:

ClinVar aggregate classification (germline): Pathogenic (1 of 4 stars; one submission).

Conditions:
X-linked Emery-Dreifuss muscular dystrophy. Also called: Muscular dystrophy, tardive Emery-Dreifuss type, with contractures. Identifiers: Orphanet 261, Orphanet 98863, MedGen C0751337, MONDO:0010680.

Submission:

Institute Of Molecular Biology And Genetics, Federal Almazov National Medical Research Centre
Classification: Pathogenic for Emery-Dreifuss muscular dystrophy 1, X-linked. Last evaluated: 2021-03-20. Review status: criteria provided, single submitter. Criteria: ACMG Guidelines, 2015. Collection method: clinical testing. Allele origin: unknown. Affected: yes. Observed: 1 variant allele.
Comment: ACMG: PVS1, PM2, PP3

Literature cited by the submitters: PubMed 11385714.

NM_000117.3(EMD):c.449+1G>A

Gene: EMD (emerin; plus strand). Cytogenetic location: Xq28.
Variant type: single nucleotide variant.
Coding change: c.449+1G>A on transcript NM_000117.3 (MANE Select); the canonical splice donor site of the intron after coding-DNA position 449, G replaced by A.
Molecular consequence: splice donor variant.
Genome position (GRCh38, 1-based): chrX:154,380,803, G>A. VCF-style: chrX-154380803-G-A. GRCh37 (hg19) VCF-style: chrX-153609163-G-A.
Identifiers: ClinVar variation 1048787 (VCV001048787.2), dbSNP rs2148128756, ClinGen allele CA415258364.